The following is an entry in ClinVar:

NM_022041.4(GAN):c.569G>A (p.Gly190Asp)

Gene: GAN (gigaxonin; plus strand). Cytogenetic location: 16q23.2.
Variant type: single nucleotide variant.
Coding change: c.569G>A on transcript NM_022041.4 (MANE Select); coding-DNA position 569, G replaced by A.
Protein change: p.Gly190Asp; replaces glycine 190 with aspartic acid.
Molecular consequence: missense variant. On other transcripts: 5 prime UTR variant (1).
Genome position (GRCh38, 1-based): chr16:81,354,691, G>A. VCF-style: chr16-81354691-G-A. GRCh37 (hg19) VCF-style: chr16-81388296-G-A.
Other names: c.-71G>A (NM_001377486.1); short protein forms G190D.
Identifiers: ClinVar variation 3773884 (VCV003773884.1).

ClinVar aggregate classification (germline): Uncertain significance (1 of 4 stars; one submission).

gnomAD v4.1: 1 of 1,613,514 alleles (0.000062%); highest among the groups gnomAD compares: Non-Finnish European, 0.000085%; no homozygotes.

Submission:

GeneDx
Classification: Uncertain significance. Last evaluated: 2024-09-24. Review status: criteria provided, single submitter. Criteria: GeneDx Variant Classification Process June 2021. Collection method: clinical testing. Allele origin: germline. Affected: yes.
Comment: Not observed at significant frequency in large population cohorts (gnomAD); Missense variants in this gene are a common cause of disease and they are underrepresented in the general population; In silico analysis supports that this missense variant has a deleterious effect on protein structure/function; Has not been previously published as pathogenic or benign to our knowledge